The following is an entry in ClinVar:

ClinVar aggregate classification (germline): Likely pathogenic (0 of 4 stars; one submission).

Conditions:
Neuronal ceroid lipofuscinosis 1 (CLN1). Also called: CEROID LIPOFUSCINOSIS, NEURONAL, 1, VARIABLE AGE AT ONSET; PPT1-Related Neuronal Ceroid-Lipofuscinosis. Identifiers: Orphanet 228329, MedGen C1850451, MONDO:0009744, OMIM 256730.

Submission:

Juha Muilu Group; Institute for Molecular Medicine Finland (FIMM)
Classification: Likely pathogenic for Ceroid lipofuscinosis neuronal 1. Review status: no assertion criteria provided. Collection method: not provided. Allele origin: unknown.
Comment: FinDis database variant: This variant was not found or characterized by our laboratory, data were collected from public sources: see reference
ClinVar note: Converted during submission from probable-pathogenic to Likely pathogenic.

NM_000310.4(PPT1):c.914T>C (p.Leu305Pro)

Gene: PPT1 (palmitoyl-protein thioesterase 1; minus strand). Cytogenetic location: 1p34.2.
Variant type: single nucleotide variant.
Coding change: c.914T>C on transcript NM_000310.4 (MANE Select); coding-DNA position 914, T replaced by C.
Protein change: p.Leu305Pro; replaces leucine 305 with proline.
Molecular consequence: missense variant.
Genome position (GRCh38, 1-based): chr1:40,074,068, A>G on the plus strand (T>C on the coding strand, the complement: PPT1 is on the minus strand). VCF-style: chr1-40074068-A-G. GRCh37 (hg19) VCF-style: chr1-40539740-A-G.
Other names: c.605T>C, p.Leu202Pro (NM_001142604.2); c.842T>C, p.Leu281Pro (NM_001363695.2); short protein forms L202P, L305P, L281P.
Identifiers: ClinVar variation 56220 (VCV000056220.2), dbSNP rs386833671, ClinGen allele CA263559.
Genomic context (GRCh38, chr1:40,074,068, plus strand): 5'-GTGGTTTGGAAGAGTTAGGGGCTCCCTGAGCTCTATTGTGAACTATACGGGTTTCATCCA[A>G]GGAATGGTATGATGTGGGCATAAAACCATTCTTCAGACAACTGAAGATGGTCCCCTTCTG-3'
Protein context (NP_000301.1, residues 295-306): EWFYAHIIPF[Leu305Pro]G